The following is an entry in ClinVar:

ClinVar aggregate classification (germline): Uncertain significance. Review status: criteria provided, multiple submitters, no conflicts (2 of 4 stars). 3 submissions from 3 submitters: Uncertain significance (3). Last evaluated 2023-11-09.

Allele frequency attached by ClinVar (database versions not stated): gnomAD exomes below 0.00001 and 0.00001; TOPMed 0.00005.

Submissions (3):

Women's Health and Genetics/Laboratory Corporation of America, LabCorp
Classification: Uncertain significance. Last evaluated: 2023-11-09. Review status: criteria provided, single submitter. Criteria: LabCorp Variant Classification Summary - May 2015. Collection method: clinical testing. Allele origin: germline.

Ambry Genetics
Classification: Uncertain significance. Last evaluated: 2023-11-02. Review status: criteria provided, single submitter. Criteria: Ambry Variant Classification Scheme 2023. Collection method: clinical testing. Allele origin: germline.
Comment: The p.K201Q variant (also known as c.601A>C), located in coding exon 7 of the FAM175A gene, results from an A to C substitution at nucleotide position 601. The lysine at codon 201 is replaced by glutamine, an amino acid with similar properties. This amino acid position is conserved. In addition, this alteration is predicted to be tolerated by in silico analysis. Since supporting evidence is limited at this time, the clinical significance of this alteration remains unclear.

Labcorp Genetics (formerly Invitae), Labcorp
Classification: Uncertain significance. Last evaluated: 2022-05-31. Review status: criteria provided, single submitter. Criteria: Invitae Variant Classification Sherloc (09022015). Collection method: clinical testing. Allele origin: germline.
Comment: This variant has not been reported in the literature in individuals affected with ABRAXAS1-related conditions. ClinVar contains an entry for this variant (Variation ID: 646460). Algorithms developed to predict the effect of missense changes on protein structure and function output the following: SIFT: "Tolerated"; PolyPhen-2: "Benign"; Align-GVGD: "Class C0". The glutamine amino acid residue is found in multiple mammalian species, which suggests that this missense change does not adversely affect protein function. In summary, the available evidence is currently insufficient to determine the role of this variant in disease. Therefore, it has been classified as a Variant of Uncertain Significance. This variant is present in population databases (no rsID available, gnomAD 0.003%). This sequence change replaces lysine, which is basic and polar, with glutamine, which is neutral and polar, at codon 201 of the ABRAXAS1 protein (p.Lys201Gln).

NM_139076.3(ABRAXAS1):c.601A>C (p.Lys201Gln)

Gene: ABRAXAS1 (abraxas 1, BRCA1 A complex subunit; minus strand). Cytogenetic location: 4q21.23.
Variant type: single nucleotide variant.
Coding change: c.601A>C on transcript NM_139076.3 (MANE Select); coding-DNA position 601, A replaced by C.
Protein change: p.Lys201Gln; replaces lysine 201 with glutamine.
Molecular consequence: missense variant.
Genome position (GRCh38, 1-based): chr4:83,467,534, T>G on the plus strand (A>C on the coding strand, the complement: ABRAXAS1 is on the minus strand). VCF-style: chr4-83467534-T-G. GRCh37 (hg19) VCF-style: chr4-84388687-T-G.
Other names: c.274A>C, p.Lys92Gln (NM_001345962.2); short protein forms K92Q, K201Q.
Identifiers: ClinVar variation 646460 (VCV000646460.12), dbSNP rs901660662, ClinGen allele CA100681185.